The following is an entry in ClinVar:

ClinVar aggregate classification (germline): Uncertain significance (1 of 4 stars; one submission).

gnomAD v4.1: 30 of 1,614,094 alleles (0.0019%); highest among the groups gnomAD compares: Non-Finnish European, 0.0025%; no homozygotes.

Submission:

Labcorp Genetics (formerly Invitae), Labcorp
Classification: Uncertain significance. Last evaluated: 2022-04-30. Review status: criteria provided, single submitter. Criteria: Invitae Variant Classification Sherloc (09022015). Collection method: clinical testing. Allele origin: germline.
Comment: This variant is present in population databases (no rsID available, gnomAD 0.0009%). This sequence change replaces cysteine, which is neutral and slightly polar, with glycine, which is neutral and non-polar, at codon 524 of the KARS protein (p.Cys524Gly). This variant has not been reported in the literature in individuals affected with KARS-related conditions. In summary, the available evidence is currently insufficient to determine the role of this variant in disease. Therefore, it has been classified as a Variant of Uncertain Significance. Algorithms developed to predict the effect of missense changes on protein structure and function are either unavailable or do not agree on the potential impact of this missense change (SIFT: "Deleterious"; PolyPhen-2: "Probably Damaging"; Align-GVGD: "Class C0").

NM_005548.3(KARS1):c.1486T>G (p.Cys496Gly)

Genes: KARS1 (lysyl-tRNA synthetase 1; minus strand), LOC126862402 (CDK7 strongly-dependent group 2 enhancer GRCh37_chr16:75663368-75664567; plus strand). Cytogenetic location: 16q23.1.
Variant type: single nucleotide variant.
Coding change: c.1486T>G on transcript NM_005548.3 (MANE Select); coding-DNA position 1486, T replaced by G.
Protein change: p.Cys496Gly; replaces cysteine 496 with glycine.
Molecular consequence: missense variant.
Genome position (GRCh38, 1-based): chr16:75,629,480, A>C on the plus strand (T>G on the coding strand, the complement: KARS1 is on the minus strand). VCF-style: chr16-75629480-A-C. GRCh37 (hg19) VCF-style: chr16-75663378-A-C.
Other names: c.1570T>G, p.Cys524Gly (NM_001130089.2); c.1018T>G, p.Cys340Gly (NM_001378148.1); short protein forms C496G, C340G, C524G.
Identifiers: ClinVar variation 1944778 (VCV001944778.5), dbSNP rs776736207, ClinGen allele CA396810740.